The following is an entry in ClinVar:

ClinVar aggregate classification (germline): Uncertain significance. Review status: criteria provided, multiple submitters, no conflicts (2 of 4 stars). 2 submissions from 2 submitters: Uncertain significance (2). Last evaluated 2023-12-09.

Conditions:
Inborn genetic diseases. Identifiers: MedGen C0950123, MeSH D030342.

Allele frequency attached by ClinVar (database versions not stated): gnomAD 0.00003; TOPMed 0.00005; 1000 Genomes Project 30x 0.00016; 1000 Genomes Project 0.00020.
gnomAD v4.1: 14 of 1,612,448 alleles (0.00087%); highest among the groups gnomAD compares: African/African-American, 0.011%; no homozygotes.

Submissions (2):

Ambry Genetics
Classification: Uncertain significance for Inborn genetic diseases. Last evaluated: 2023-12-09. Review status: criteria provided, single submitter. Criteria: Ambry Variant Classification Scheme 2023. Collection method: clinical testing. Allele origin: germline.

Labcorp Genetics (formerly Invitae), Labcorp
Classification: Uncertain significance. Last evaluated: 2022-05-09. Review status: criteria provided, single submitter. Criteria: Invitae Variant Classification Sherloc (09022015). Collection method: clinical testing. Allele origin: germline.
Comment: This sequence change replaces alanine, which is neutral and non-polar, with valine, which is neutral and non-polar, at codon 139 of the YARS2 protein (p.Ala139Val). This variant is present in population databases (rs533729326, gnomAD 0.004%). This variant has not been reported in the literature in individuals affected with YARS2-related conditions. Advanced modeling of protein sequence and biophysical properties (such as structural, functional, and spatial information, amino acid conservation, physicochemical variation, residue mobility, and thermodynamic stability) performed at Invitae indicates that this missense variant is not expected to disrupt YARS2 protein function. In summary, the available evidence is currently insufficient to determine the role of this variant in disease. Therefore, it has been classified as a Variant of Uncertain Significance.

NM_001040436.3(YARS2):c.416C>T (p.Ala139Val)

Gene: YARS2 (tyrosyl-tRNA synthetase 2; minus strand). Cytogenetic location: 12p11.21.
Variant type: single nucleotide variant.
Coding change: c.416C>T on transcript NM_001040436.3 (MANE Select); coding-DNA position 416, C replaced by T.
Protein change: p.Ala139Val; replaces alanine 139 with valine.
Molecular consequence: missense variant.
Genome position (GRCh38, 1-based): chr12:32,755,459, G>A on the plus strand (C>T on the coding strand, the complement: YARS2 is on the minus strand). VCF-style: chr12-32755459-G-A. GRCh37 (hg19) VCF-style: chr12-32908393-G-A.
Other names: c.416C>T (NM_001040436.2); short protein forms A139V.
Identifiers: ClinVar variation 2048287 (VCV002048287.2), dbSNP rs533729326, ClinGen allele CA235221091.
Genomic context (GRCh38, chr12:32,755,459, plus strand): 5'-AAAAGCTGCTGGTGATTAGCCGCCAGGGCCTCAAGCCCTAGGCGCAGAGCTCGCGCGTTG[G>A]CTCGCACGCGCTCTGTCTCCAGCGCCTCGCGTTCCTTGGTACGGCCGCTCGGGTCTCCCA-3'
Protein context (NP_001035526.1, residues 129-149): REALETERVR[Ala139Val]NARALRLGLE